The following is an entry in ClinVar:

GRCh37/hg19 19p13.3(chr19:6375353-6383466)x3

Genes: GTF2F1 (general transcription factor IIF subunit 1; minus strand), PSPN (persephin; minus strand). Cytogenetic location: 19p13.3.
Variant type: copy number gain.
Change: copy number 3 (three copies instead of two) of chr19:6,375,353-6,383,466 (8.1 kb, GRCh37 coordinates, 1-based), cytogenetic band 19p13.3.
Identifiers: ClinVar variation 393772 (VCV000393772.3).

ClinVar aggregate classification (germline): conflicting data from submitters (0 of 4 stars; one submission).

Submission:

ISCA Site 6
Classification: conflicting data from submitters. Review status: no assertion criteria provided. Collection method: clinical testing. Allele origin: unknown. Affected: yes. Observed: 2 variant alleles.
Comment: Uncertain significance(1), Likely benign (1)

Copy number variation identified through the course of routine clinical cytogenomic testing in postnatal populations, with clinical assertions as classified by the original submitter. For data from the original published study, Kaminsky, et al. 2011 (PubMed 21844811), please see nstd101.